The following is an entry in ClinVar:

NM_016038.4(SBDS):c.460G>C (p.Ala154Pro)

Gene: SBDS (SBDS ribosome maturation factor; minus strand). Cytogenetic location: 7q11.21.
Variant type: single nucleotide variant.
Coding change: c.460G>C on transcript NM_016038.4 (MANE Select); coding-DNA position 460, G replaced by C.
Protein change: p.Ala154Pro; replaces alanine 154 with proline.
Molecular consequence: missense variant.
Genome position (GRCh38, 1-based): chr7:66,991,301, C>G on the plus strand (G>C on the coding strand, the complement: SBDS is on the minus strand). VCF-style: chr7-66991301-C-G. GRCh37 (hg19) VCF-style: chr7-66456288-C-G.
Other names: short protein forms A154P.
Identifiers: ClinVar variation 4159833 (VCV004159833.1).
Genomic context (GRCh38, chr7:66,991,301, plus strand): 5'-GCCTCATGTGAGCACGTTCTATCTTCATTTTCTCTTTTAACTGCTTTATCACTTCCAAAG[C>G]CTACCAAGACAAAATCGAGAATGCAATTTCTTCTACTATATTATTTCATAAGGTTTTCAA-3'
Protein context (NP_057122.2, residues 144-164): VKTNKSTKQQ[Ala154Pro]LEVIKQLKEK

ClinVar aggregate classification (germline): Uncertain significance (1 of 4 stars; one submission).

Conditions:
Inborn genetic diseases. Identifiers: MedGen C0950123, MeSH D030342.

gnomAD v4.1: 4 of 1,607,436 alleles (0.00025%); highest among the groups gnomAD compares: Non-Finnish European, 0.00034%; no homozygotes.

Submission:

Ambry Genetics
Classification: Uncertain significance for Inborn genetic diseases. Last evaluated: 2025-09-02. Review status: criteria provided, single submitter. Criteria: Ambry Variant Classification Scheme 2023. Collection method: clinical testing. Allele origin: germline.
Comment: The p.A154P variant (also known as c.460G>C) is located in coding exon 4 of the SBDS gene. The alanine at codon 154 is replaced by proline, an amino acid with highly similar properties. This change occurs in the first base pair of coding exon 4. This amino acid position is conserved. In addition, this alteration is predicted to be deleterious by in silico analysis. Based on the available evidence, the clinical significance of this variant remains unclear.